The following is an entry in ClinVar:

ClinVar aggregate classification (germline): Likely benign. Review status: criteria provided, multiple submitters, no conflicts (2 of 4 stars). 2 submissions from 2 submitters: Likely benign (2). Last evaluated 2025-07-21.

Allele frequency attached by ClinVar (database versions not stated): gnomAD exomes 0.00002 and 0.00004; TOPMed 0.00003; gnomAD 0.00004; ExAC 0.00005.
gnomAD v4.1: 38 of 1,614,104 alleles (0.0024%); highest among the groups gnomAD compares: African/African-American, 0.0067%; no homozygotes.

Submissions (2):

Labcorp Genetics (formerly Invitae), Labcorp
Classification: Likely benign. Last evaluated: 2025-07-21. Review status: criteria provided, single submitter. Criteria: Invitae Variant Classification Sherloc (09022015). Collection method: clinical testing. Allele origin: germline.

CeGaT Center for Human Genetics Tuebingen
Classification: Likely benign. Last evaluated: 2023-02-01. Review status: criteria provided, single submitter. Criteria: CeGaT Center For Human Genetics Tuebingen Variant Classification Criteria Version 2. Collection method: clinical testing. Allele origin: germline. Affected: yes. Observed: 1 variant allele.
Comment: EIF2B5: BP4, BP7

NM_003907.3(EIF2B5):c.1935G>A (p.Ala645=)

Gene: EIF2B5 (eukaryotic translation initiation factor 2B subunit epsilon; plus strand). Cytogenetic location: 3q27.1.
Variant type: single nucleotide variant.
Coding change: c.1935G>A on transcript NM_003907.3 (MANE Select); coding-DNA position 1935, G replaced by A.
Protein change: p.Ala645=; no amino-acid change (alanine 645 retained).
Molecular consequence: synonymous variant.
Genome position (GRCh38, 1-based): chr3:184,144,164, G>A. VCF-style: chr3-184144164-G-A. GRCh37 (hg19) VCF-style: chr3-183861952-G-A.
Identifiers: ClinVar variation 1135725 (VCV001135725.31), dbSNP rs772251891, ClinGen allele CA2726852.